The following is an entry in ClinVar:

NM_001199107.2(TBC1D24):c.916G>A (p.Ala306Thr)

Gene: TBC1D24 (TBC1 domain family member 24; plus strand). Cytogenetic location: 16p13.3.
Variant type: single nucleotide variant.
Coding change: c.916G>A on transcript NM_001199107.2 (MANE Select); coding-DNA position 916, G replaced by A.
Protein change: p.Ala306Thr; replaces alanine 306 with threonine.
Molecular consequence: missense variant.
Genome position (GRCh38, 1-based): chr16:2,497,064, G>A. VCF-style: chr16-2497064-G-A. GRCh37 (hg19) VCF-style: chr16-2547065-G-A.
Other names: c.916G>A, p.Ala306Thr (NM_020705.3); short protein forms A306T.
Identifiers: ClinVar variation 1381513 (VCV001381513.6), dbSNP rs2141872755, ClinGen allele CA394377915.
Genomic context (GRCh38, chr16:2,497,064, plus strand): 5'-CTGGAGAAAGCGTTCGCCATCCGCCTCTTCTCCCGCAAGGAGATCCAGCTCCTGCAGATG[G>A]CCAATGAGAAAGCCCTGAAGCAGAAGGGCATCACCGTGAAGCAGAAGAGGTAGGTCGCCG-3'
Protein context (NP_001186036.1, residues 296-316): SRKEIQLLQM[Ala306Thr]NEKALKQKGI

ClinVar aggregate classification (germline): Uncertain significance (1 of 4 stars; one submission).

Conditions:
Developmental and epileptic encephalopathy, 1 (DEE1). Also called: X-linked infantile spasms; West's syndrome; Tonic spasms with clustering, arrest of psychomotor development and hypsarrhythmia on EEG; X-Linked Infantile Spasm Syndrome; OHTAHARA SYNDROME, X-LINKED; INFANTILE SPASM SYNDROME, X-LINKED 1. Identifiers: MedGen C3463992, MONDO:0010632, OMIM 308350. Disease mechanism: loss of function.
Autosomal dominant nonsyndromic hearing loss 65. Also called: TBC1D24-Related Autosomal Dominant Nonsyndromic Hearing Loss (DFNA); Deafness, autosomal dominant 65. Identifiers: Orphanet 90635, MedGen C3892048, MONDO:0014470, OMIM 616044.

Allele frequency attached by ClinVar (database versions not stated): gnomAD exomes below 0.00001.
gnomAD v4.1: 2 of 1,611,480 alleles (0.00012%); highest among the groups gnomAD compares: African/African-American, 0.0013%; no homozygotes.

Submission:

Labcorp Genetics (formerly Invitae), Labcorp
Classification: Uncertain significance for Developmental and epileptic encephalopathy, 1; Autosomal dominant nonsyndromic hearing loss 65. Last evaluated: 2022-04-08. Review status: criteria provided, single submitter. Criteria: Invitae Variant Classification Sherloc (09022015). Collection method: clinical testing. Allele origin: germline.
Comment: In summary, the available evidence is currently insufficient to determine the role of this variant in disease. Therefore, it has been classified as a Variant of Uncertain Significance. Advanced modeling of protein sequence and biophysical properties (such as structural, functional, and spatial information, amino acid conservation, physicochemical variation, residue mobility, and thermodynamic stability) performed at Invitae indicates that this missense variant is not expected to disrupt TBC1D24 protein function. This variant has not been reported in the literature in individuals affected with TBC1D24-related conditions. This variant is not present in population databases (gnomAD no frequency). This sequence change replaces alanine, which is neutral and non-polar, with threonine, which is neutral and polar, at codon 306 of the TBC1D24 protein (p.Ala306Thr).